The following is an entry in ClinVar:

ClinVar aggregate classification (germline): Pathogenic (0 of 4 stars; one submission).

Conditions:
Pyruvate dehydrogenase E1-alpha deficiency (PDHAD). Also called: ATAXIA, INTERMITTENT, WITH PYRUVATE DEHYDROGENASE DEFICIENCY; ATAXIA WITH LACTIC ACIDOSIS I; ATAXIA, INTERMITTENT, WITH ABNORMAL PYRUVATE METABOLISM; Ataxia, intermittent, with pyruvate dehydrogenase, or decarboxylase, deficiency. Identifiers: Orphanet 79243, MedGen C1839413, MONDO:0010717, OMIM 312170.

Submission:

PDHA1 Study Group, University Children’s Hospital, Paracelsus Medical University
Classification: Pathogenic for Pyruvate dehydrogenase E1-alpha deficiency. Last evaluated: 2024-10-15. Review status: no assertion criteria provided. Collection method: research. Allele origin: de novo. Affected: yes. Observed: 1 variant allele.
Comment: The NM_000284.3:c.433_435del (p.Cys145del) change is a deletion-insertion (delins) variant in PDHA1 gene. Among them, 1 case had confirmed de novo occurrence. The variant has been reported in 1 published case (PMIDs: 28584645). Last literature search: July 12, 2024. This variant is absent or extremely rare in population-based cohorts in the Genome Aggregation Database (gnomAD). Individuals harboring this variant presented with clinical features compatible with PDHA1-related PDHc deficiency. In summary, this variant meets criteria to be classified as pathogenic (P) for PDHA1-related PDHc deficiency based on the ACMG/AMP criteria applied: PS2, PM1, PM2, PM4 (last assessment October 15, 2024).

Literature cited by the submitters: PubMed 28584645; DOI 10.1093/brain/awaf430.

NM_000284.4(PDHA1):c.433_435del (p.Cys145del)

Gene: PDHA1 (pyruvate dehydrogenase E1 subunit alpha 1; plus strand). Cytogenetic location: Xp22.12.
Variant type: Deletion.
Coding change: c.433_435del on transcript NM_000284.4 (MANE Select); coding-DNA positions 433 to 435, 3 bases deleted (TGT; older notation c.433_435delTGT).
Protein change: p.Cys145del; deletes cysteine 145.
Molecular consequence: inframe deletion.
Genome position (GRCh38, 1-based): chrX:19,353,096-19,353,098, TGT deleted; deleting any 3 consecutive bases within chrX:19,353,094-19,353,098 gives the same sequence; the c. name uses the placement nearest the transcript's 3' end. VCF-style (leftmost placement, unchanged base first): chrX-19353093-GGTT-G. GRCh37 (hg19) VCF-style: chrX-19371211-GGTT-G.
Other names: c.547_549del, p.Cys183del (NM_001173454.2); c.454_456del, p.Cys152del (NM_001173455.2); c.433_435del, p.Cys145del (NM_001173456.2); short protein forms C145del, C152del, C183del.
Identifiers: ClinVar variation 4070323 (VCV004070323.1).